The following is an entry in ClinVar:

ClinVar aggregate classification (germline): Uncertain significance (1 of 4 stars; one submission).

Conditions:
Familial thoracic aortic aneurysm and aortic dissection (TAAD). Also called: Thoracic aortic aneurysms and dissections. Identifiers: Orphanet 91387, MedGen C4707243, MONDO:0019625.

gnomAD v4.1: 4 of 1,613,976 alleles (0.00025%); highest among the groups gnomAD compares: African/African-American, 0.0013%; no homozygotes.

Submission:

Ambry Genetics
Classification: Uncertain significance for Familial thoracic aortic aneurysm and aortic dissection. Last evaluated: 2025-05-18. Review status: criteria provided, single submitter. Criteria: Ambry Variant Classification Scheme 2023. Collection method: clinical testing. Allele origin: germline.
Comment: The p.F517I variant (also known as c.1549T>A), located in coding exon 5 of the SLC2A10 gene, results from a T to A substitution at nucleotide position 1549. The phenylalanine at codon 517 is replaced by isoleucine, an amino acid with highly similar properties. This amino acid position is conserved. In addition, this alteration is predicted to be tolerated by in silico analysis. Based on the available evidence, the clinical significance of this variant remains unclear.

NM_030777.4(SLC2A10):c.1549T>A (p.Phe517Ile)

Gene: SLC2A10 (solute carrier family 2 member 10; plus strand). Cytogenetic location: 20q13.12.
Variant type: single nucleotide variant.
Coding change: c.1549T>A on transcript NM_030777.4 (MANE Select); coding-DNA position 1549, T replaced by A.
Protein change: p.Phe517Ile; replaces phenylalanine 517 with isoleucine.
Molecular consequence: missense variant.
Genome position (GRCh38, 1-based): chr20:46,733,757, T>A. VCF-style: chr20-46733757-T-A. GRCh37 (hg19) VCF-style: chr20-45362396-T-A.
Other names: short protein forms F517I.
Identifiers: ClinVar variation 3956323 (VCV003956323.1).
Genomic context (GRCh38, chr20:46,733,757, plus strand): 5'-CCCCAGGGACGGCCCCAGGCCCTGCCACCCCCTGATCCCACGCATTCTTTGTCTGACAGG[T>A]TCACCCTGAGCTTTGGCCACAGGCAGAACTCCACTGGCATCCCGTACAGCCGCATCGAGA-3'
Protein context (NP_110404.1, residues 507-527): EIDQQFQKRR[Phe517Ile]TLSFGHRQNS